The following is an entry in ClinVar:

NM_000094.4(COL7A1):c.175A>G (p.Ser59Gly)

Gene: COL7A1 (collagen type VII alpha 1 chain; minus strand). Cytogenetic location: 3p21.31.
Variant type: single nucleotide variant.
Coding change: c.175A>G on transcript NM_000094.4 (MANE Select); coding-DNA position 175, A replaced by G.
Protein change: p.Ser59Gly; replaces serine 59 with glycine.
Molecular consequence: missense variant.
Genome position (GRCh38, 1-based): chr3:48,594,459, T>C on the plus strand (A>G on the coding strand, the complement: COL7A1 is on the minus strand). VCF-style: chr3-48594459-T-C. GRCh37 (hg19) VCF-style: chr3-48631892-T-C.
Other names: short protein forms S59G.
Identifiers: ClinVar variation 2113461 (VCV002113461.4), dbSNP rs2531365411, ClinGen allele CA352749587.

ClinVar aggregate classification (germline): Uncertain significance (1 of 4 stars; one submission).

Allele frequency attached by ClinVar (database versions not stated): gnomAD exomes 0.00001.

Submission:

Labcorp Genetics (formerly Invitae), Labcorp
Classification: Uncertain significance. Last evaluated: 2022-08-15. Review status: criteria provided, single submitter. Criteria: Invitae Variant Classification Sherloc (09022015). Collection method: clinical testing. Allele origin: germline.
Comment: This variant has not been reported in the literature in individuals affected with COL7A1-related conditions. This variant is not present in population databases (gnomAD no frequency). This sequence change replaces serine, which is neutral and polar, with glycine, which is neutral and non-polar, at codon 59 of the COL7A1 protein (p.Ser59Gly). In summary, the available evidence is currently insufficient to determine the role of this variant in disease. Therefore, it has been classified as a Variant of Uncertain Significance. Advanced modeling of protein sequence and biophysical properties (such as structural, functional, and spatial information, amino acid conservation, physicochemical variation, residue mobility, and thermodynamic stability) performed at Invitae indicates that this missense variant is not expected to disrupt COL7A1 protein function.